The following is an entry in ClinVar:

NM_015388.4(YIPF3):c.30C>T (p.Gly10=)

Genes: YIPF3 (Yip1 domain family member 3; minus strand), LOC129996517 (ATAC-STARR-seq lymphoblastoid active region 24602; plus strand). Cytogenetic location: 6p21.1.
Variant type: single nucleotide variant.
Coding change: c.30C>T on transcript NM_015388.4 (MANE Select); coding-DNA position 30, C replaced by T.
Protein change: p.Gly10=; no amino-acid change (glycine 10 retained).
Molecular consequence: synonymous variant.
Genome position (GRCh38, 1-based): chr6:43,516,778, G>A on the plus strand (C>T on the coding strand, the complement: YIPF3 is on the minus strand). VCF-style: chr6-43516778-G-A. GRCh37 (hg19) VCF-style: chr6-43484516-G-A.
Identifiers: ClinVar variation 3389335 (VCV003389335.14).
Genomic context (GRCh38, chr6:43,516,778, plus strand): 5'-GGCCATTACCTGGATGTTTTCTTCGAACCCTCCCCATTCCGGGCCAGCTCCATTTCGGGC[G>A]CCGCCCGCCGGCGCCGCTGTAGTTGCCATGTCCCTTGAGGGCTCCCGTCGCTGAAACCCG-3'
Protein context (NP_056203.2, residues 1-20): MATTAAPAG[Gly10=]ARNGAGPEWG

ClinVar aggregate classification (germline): Likely benign (1 of 4 stars; one submission).

Submission:

CeGaT Center for Human Genetics Tuebingen
Classification: Likely benign. Last evaluated: 2024-10-01. Review status: criteria provided, single submitter. Criteria: CeGaT Center For Human Genetics Tuebingen Variant Classification Criteria Version 2. Collection method: clinical testing. Allele origin: germline. Affected: yes. Observed: 1 variant allele.
Comment: YIPF3: BP4, BP7